The following is an entry in ClinVar:

ClinVar aggregate classification (germline): Uncertain significance (1 of 4 stars; one submission).

Conditions:
Oto-palato-digital syndrome, type II (OPD2). Also called: FACIOPALATOOSSEOUS SYNDROME; OPD II SYNDROME; Otopalatodigital Syndrome, Type II; Otopalatodigital Syndrome Type 2 (FLNA-OPD2). Identifiers: Orphanet 669, Orphanet 90652, MedGen C1844696, MONDO:0010571, OMIM 304120.
Heterotopia, periventricular, X-linked dominant (PVNH1). Also called: PERIVENTRICULAR NODULAR HETEROTOPIA 1; X-linked periventricular heterotopia; PERIVENTRICULAR NODULAR HETEROTOPIA 4; HETEROTOPIA, PERIVENTRICULAR, 1. Identifiers: Orphanet 2149, Orphanet 82004, MedGen C1848213, MONDO:0010233, OMIM 300049.
Frontometaphyseal dysplasia (FMD1). Identifiers: Orphanet 1826, MedGen C0265293, MONDO:0015942.
Melnick-Needles syndrome (MNS). Also called: MELNICK-NEEDLES OSTEODYSPLASTY; OSTEODYSPLASTY OF MELNICK AND NEEDLES; Melnick-Needles Syndrome (FLNA-MNS). Identifiers: Orphanet 2484, MedGen C0025237, MONDO:0010650, OMIM 309350.

Submission:

Labcorp Genetics (formerly Invitae), Labcorp
Classification: Uncertain significance for Oto-palato-digital syndrome, type II; Heterotopia, periventricular, X-linked dominant; Frontometaphyseal dysplasia; Melnick-Needles syndrome. Last evaluated: 2023-05-22. Review status: criteria provided, single submitter. Criteria: Invitae Variant Classification Sherloc (09022015). Collection method: clinical testing. Allele origin: germline.
Comment: In summary, the available evidence is currently insufficient to determine the role of this variant in disease. Therefore, it has been classified as a Variant of Uncertain Significance. Advanced modeling of protein sequence and biophysical properties (such as structural, functional, and spatial information, amino acid conservation, physicochemical variation, residue mobility, and thermodynamic stability) performed at Invitae indicates that this missense variant is not expected to disrupt FLNA protein function. This variant has not been reported in the literature in individuals affected with FLNA-related conditions. This variant is not present in population databases (gnomAD no frequency). This sequence change replaces alanine, which is neutral and non-polar, with valine, which is neutral and non-polar, at codon 2547 of the FLNA protein (p.Ala2547Val).

NM_001110556.2(FLNA):c.7664C>T (p.Ala2555Val)

Genes: FLNA (filamin A; minus strand), LOC107988032 (Xq28 proximal FLNA-EMD recombination region; plus strand). Cytogenetic location: Xq28.
Variant type: single nucleotide variant.
Coding change: c.7664C>T on transcript NM_001110556.2 (MANE Select); coding-DNA position 7664, C replaced by T.
Protein change: p.Ala2555Val; replaces alanine 2555 with valine.
Molecular consequence: missense variant.
Genome position (GRCh38, 1-based): chrX:154,349,454, G>A on the plus strand (C>T on the coding strand, the complement: FLNA is on the minus strand). VCF-style: chrX-154349454-G-A. GRCh37 (hg19) VCF-style: chrX-153577822-G-A.
Other names: c.7640C>T, p.Ala2547Val (NM_001456.4); short protein forms A2547V, A2555V.
Identifiers: ClinVar variation 2948115 (VCV002948115.3), dbSNP rs2522712874, ClinGen allele CA415180181.
Genomic context (GRCh38, chrX:154,349,454, plus strand): 5'-TTCTGGCCTACGTAGGCCTTGCTCAGCCCCAGGCCCTTGGCCACCACCTTGCTGGCGTCA[G>A]CAGGCCCAGGACCCGGGGCCCCATGCTGGGGGGCACAGGTGGCCTTGGTCAGAGAGTCTA-3'
Protein context (NP_001104026.1, residues 2545-2565): PQHGAPGPGP[Ala2555Val]DASKVVAKGL